The following is an entry in ClinVar:

NM_001370259.2(MEN1):c.54C>A (p.Asp18Glu)

Gene: MEN1 (menin 1; minus strand). Cytogenetic location: 11q13.1.
Variant type: single nucleotide variant.
Coding change: c.54C>A on transcript NM_001370259.2 (MANE Select); coding-DNA position 54, C replaced by A.
Protein change: p.Asp18Glu; replaces aspartic acid 18 with glutamic acid.
Molecular consequence: missense variant. On other transcripts: non-coding transcript variant (4).
Genome position (GRCh38, 1-based): chr11:64,810,056, G>T on the plus strand (C>A on the coding strand, the complement: MEN1 is on the minus strand). VCF-style: chr11-64810056-G-T. GRCh37 (hg19) VCF-style: chr11-64577528-G-T.
Other names: c.54C>A, p.Asp18Glu (NM_000244.4, NM_001370251.2, NM_001370260.2 and 20 more transcripts); short protein forms D18E.
Identifiers: ClinVar variation 2726350 (VCV002726350.1), dbSNP rs1316973259, ClinGen allele CA381188146.

ClinVar aggregate classification (germline): Uncertain significance (1 of 4 stars; one submission).

Conditions:
Multiple endocrine neoplasia, type 1 (MEN1). Also called: MEN I; WERMER SYNDROME; Endocrine adenomatosis multiple; MEN 1; MEA I. Identifiers: Orphanet 652, MedGen C0025267, MeSH D018761, MONDO:0007540, OMIM 131100.

Submission:

Labcorp Genetics (formerly Invitae), Labcorp
Classification: Uncertain significance for Multiple endocrine neoplasia, type 1. Last evaluated: 2022-11-29. Review status: criteria provided, single submitter. Criteria: Invitae Variant Classification Sherloc (09022015). Collection method: clinical testing. Allele origin: germline.
Comment: In summary, the available evidence is currently insufficient to determine the role of this variant in disease. Therefore, it has been classified as a Variant of Uncertain Significance. Algorithms developed to predict the effect of missense changes on protein structure and function (SIFT, PolyPhen-2, Align-GVGD) all suggest that this variant is likely to be tolerated. This variant has not been reported in the literature in individuals affected with MEN1-related conditions. This variant is not present in population databases (gnomAD no frequency). This sequence change replaces aspartic acid, which is acidic and polar, with glutamic acid, which is acidic and polar, at codon 18 of the MEN1 protein (p.Asp18Glu).